The following is an entry in ClinVar:

ClinVar aggregate classification (germline): Uncertain significance. Review status: criteria provided, multiple submitters, no conflicts (2 of 4 stars). 2 submissions from 2 submitters: Uncertain significance (2). Last evaluated 2025-03-13.

Conditions:
Autosomal recessive nonsyndromic hearing loss 21. Identifiers: Orphanet 90636, MedGen C1863655, MONDO:0011351, OMIM 603629.

Submissions (2):

Human Genetics Bochum, Ruhr University Bochum
Classification: Uncertain significance for Autosomal recessive nonsyndromic hearing loss 21. Last evaluated: 2025-03-13. Review status: criteria provided, single submitter. Criteria: ACMG Guidelines, 2015. Collection method: clinical testing. Allele origin: germline. Affected: yes.
Comment: was identified together with TECTA c.1734dup; ACMG criteria used to clasify this variant: PP3_STR, PM2_SUP

Blueprint Genetics
Classification: Uncertain significance. Last evaluated: 2022-02-11. Review status: criteria provided, single submitter. Criteria: ACMG Guidelines, 2015. Collection method: clinical testing. Allele origin: germline.

NM_005422.4(TECTA):c.5585A>G (p.Gln1862Arg)

Genes: TBCEL-TECTA (TBCEL-TECTA readthrough; plus strand), TECTA (tectorin alpha; plus strand). Cytogenetic location: 11q23.3.
Variant type: single nucleotide variant.
Coding change: c.5585A>G on transcript NM_005422.4 (MANE Select); coding-DNA position 5585, A replaced by G.
Protein change: p.Gln1862Arg; replaces glutamine 1862 with arginine.
Molecular consequence: missense variant.
Genome position (GRCh38, 1-based): chr11:121,166,779, A>G. VCF-style: chr11-121166779-A-G. GRCh37 (hg19) VCF-style: chr11-121037488-A-G.
Other names: c.6527A>G, p.Gln2176Arg (NM_001378761.1); short protein forms Q1862R, Q2176R.
Identifiers: ClinVar variation 4687906 (VCV004687906.2).